The following is an entry in ClinVar:

NM_003995.4(NPR2):c.1947C>A (p.Asn649Lys)

Gene: NPR2 (natriuretic peptide receptor 2; plus strand). Cytogenetic location: 9p13.3.
Variant type: single nucleotide variant.
Coding change: c.1947C>A on transcript NM_003995.4 (MANE Select); coding-DNA position 1947, C replaced by A.
Protein change: p.Asn649Lys; replaces asparagine 649 with lysine.
Molecular consequence: missense variant.
Genome position (GRCh38, 1-based): chr9:35,805,570, C>A. VCF-style: chr9-35805570-C-A. GRCh37 (hg19) VCF-style: chr9-35805567-C-A.
Other names: c.1956C>A, p.Asn652Lys (NM_001378923.1); short protein forms N652K, N649K.
Identifiers: ClinVar variation 4788591 (VCV004788591.1).
Genomic context (GRCh38, chr9:35,805,570, plus strand): 5'-GGGCATGGCCTTTCTCCACAACAGCATTATTTCATCGCATGGGAGTCTCAAGTCCTCCAA[C>A]TGTGTGGTGGATAGTCGTTTTGTGCTCAAAATCACAGACTATGGCCTGGCCAGCTTCCGA-3'
Protein context (NP_003986.2, residues 639-659): ISSHGSLKSS[Asn649Lys]CVVDSRFVLK

ClinVar aggregate classification (germline): Uncertain significance (1 of 4 stars; one submission).

Conditions:
Tall stature-scoliosis-macrodactyly of the great toes syndrome. Also called: Epiphyseal chondrodysplasia, miura type. Identifiers: Orphanet 329191, MedGen C4014690, MONDO:0014401, OMIM 615923.
Acromesomelic dysplasia 1, Maroteaux type (AMD1). Also called: ST. HELENA DYSPLASIA; ACROMESOMELIC DYSPLASIA 1. Identifiers: Orphanet 40, MedGen C1864356, MONDO:0011275, OMIM 602875.

gnomAD v4.1: 2 of 1,614,120 alleles (0.00012%); highest among the groups gnomAD compares: Non-Finnish European, 0.00017%; no homozygotes.

Submission:

Labcorp Genetics (formerly Invitae), Labcorp
Classification: Uncertain significance for Tall stature-scoliosis-macrodactyly of the great toes syndrome; Acromesomelic dysplasia 1, Maroteaux type. Last evaluated: 2025-12-03. Review status: criteria provided, single submitter. Criteria: Invitae Variant Classification Sherloc (09022015). Collection method: clinical testing. Allele origin: germline.
Comment: This sequence change replaces asparagine, which is neutral and polar, with lysine, which is basic and polar, at codon 649 of the NPR2 protein (p.Asn649Lys). This variant is not present in population databases (gnomAD no frequency). This variant has not been reported in the literature in individuals affected with NPR2-related conditions. Invitae Evidence Modeling of protein sequence and biophysical properties (such as structural, functional, and spatial information, amino acid conservation, physicochemical variation, residue mobility, and thermodynamic stability) indicates that this missense variant is not expected to disrupt NPR2 protein function with a negative predictive value of 80%. In summary, the available evidence is currently insufficient to determine the role of this variant in disease. Therefore, it has been classified as a Variant of Uncertain Significance.